The following is an entry in ClinVar:

ClinVar aggregate classification (germline): Likely benign (0 of 4 stars; one submission).

Conditions:
JAK3-related disorder. Also called: JAK3-related condition.

Submission:

PreventionGenetics, part of Exact Sciences
Classification: Likely benign for JAK3-related condition. Last evaluated: 2020-01-13. Review status: no assertion criteria provided. Collection method: clinical testing. Allele origin: germline.
Comment: This variant is classified as likely benign based on ACMG/AMP sequence variant interpretation guidelines (Richards et al. 2015 PMID: 25741868, with internal and published modifications).

NM_000215.4(JAK3):c.2454G>A (p.Glu818=)

Gene: JAK3 (Janus kinase 3; minus strand). Cytogenetic location: 19p13.11.
Variant type: single nucleotide variant.
Coding change: c.2454G>A on transcript NM_000215.4 (MANE Select); coding-DNA position 2454, G replaced by A.
Protein change: p.Glu818=; no amino-acid change (glutamic acid 818 retained).
Molecular consequence: synonymous variant.
Genome position (GRCh38, 1-based): chr19:17,832,826, C>T on the plus strand (G>A on the coding strand, the complement: JAK3 is on the minus strand). VCF-style: chr19-17832826-C-T. GRCh37 (hg19) VCF-style: chr19-17943635-C-T.
Identifiers: ClinVar variation 3051504 (VCV003051504.2), dbSNP rs2514550255, ClinGen allele CA506003460.